The following is an entry in ClinVar:

ClinVar aggregate classification (germline): Conflicting classifications of pathogenicity. Review status: criteria provided, conflicting classifications (1 of 4 stars). 18 submissions from 18 submitters: Uncertain significance (6); Benign (2); Likely benign (8). 2 of the submissions do not count toward it. Last evaluated 2026-01-28.

Conditions:
Cardiovascular phenotype. Identifiers: MedGen CN230736.
MYBPC3-related disorder. Also called: MYBPC3-related disorders; MYBPC3-related condition; MYBPC3-related disease.
Hypertrophic cardiomyopathy 4. Also called: Familial hypertrophic cardiomyopathy 4. Identifiers: MedGen C1861862, MONDO:0007268, OMIM 115197.
Left ventricular noncompaction 10 (LVNC10). Identifiers: Orphanet 154, Orphanet 54260, MedGen C3715165, MONDO:0014163, OMIM 615396.
Cardiomyopathy (CMYO). Also called: Cardiomyopathies. Identifiers: Orphanet 167848, MedGen C0878544, MONDO:0004994, HP:0001638. Inheritance: Various modes of inheritance.
Primary dilated cardiomyopathy (DCM). Also called: Dilated Cardiomyopathy. Identifiers: Orphanet 217604, MedGen C0007193, MeSH D002311, MONDO:0005021, HP:0001644. Inheritance: Various modes of inheritance.
Hypertrophic cardiomyopathy. Also called: HYPERTROPHIC MYOCARDIOPATHY. Identifiers: Orphanet 217569, MedGen C0007194, MeSH D002312, MONDO:0005045, HP:0001639.

Allele frequency attached by ClinVar (database versions not stated): gnomAD exomes 0.00018 and 0.00025; ExAC 0.00022; 1000 Genomes Project 30x 0.00031; 1000 Genomes Project 0.00040; ESP Exome Variant Server 0.00058; gnomAD 0.00060 and 0.00063; TOPMed 0.00070.
gnomAD v4.1: 473 of 1,613,844 alleles (0.029%); highest among the groups gnomAD compares: African/African-American, 0.14%; no homozygotes.

Submissions (18):

Labcorp Genetics (formerly Invitae), Labcorp
Classification: Likely benign for Hypertrophic cardiomyopathy. Last evaluated: 2026-01-28. Review status: criteria provided, single submitter. Criteria: Invitae Variant Classification Sherloc (09022015). Collection method: clinical testing. Allele origin: germline.

Molecular Diagnostic Laboratory for Inherited Cardiovascular Disease, Montreal Heart Institute
Classification: Likely benign. Last evaluated: 2025-04-09. Review status: criteria provided, single submitter. Criteria: ACMG Guidelines, 2015. Collection method: clinical testing. Allele origin: germline. Affected: no.

PreventionGenetics, part of Exact Sciences
Classification: Likely benign for MYBPC3-related condition. Last evaluated: 2025-02-27. Review status: criteria provided, single submitter. Criteria: ACMG Guidelines, 2015. Collection method: clinical testing. Allele origin: germline.
Comment: This variant is classified as likely benign based on ACMG/AMP sequence variant interpretation guidelines (Richards et al. 2015 PMID: 25741868, with internal and published modifications).

Blueprint Genetics
Classification: Likely benign. Last evaluated: 2024-11-14. Review status: criteria provided, single submitter. Criteria: ACMG Guidelines, 2015. Collection method: clinical testing. Allele origin: germline.

Women's Health and Genetics/Laboratory Corporation of America, LabCorp
Classification: Benign. Last evaluated: 2022-04-11. Review status: criteria provided, single submitter. Criteria: LabCorp Variant Classification Summary - May 2015. Collection method: clinical testing. Allele origin: germline.
Comment: Variant summary: MYBPC3 c.3682C>T (p.Arg1228Cys) results in a non-conservative amino acid change in the encoded protein sequence. Four of five in-silico tools predict a damaging effect of the variant on protein function. The variant allele was found at a frequency of 0.0006 in 150976 control chromosomes, predominantly at a frequency of 0.0014 within the African or African-American subpopulation in the gnomAD database. The observed variant frequency within African or African-American control individuals in the gnomAD database is approximately 1.4 fold of the estimated maximal expected allele frequency for a pathogenic variant in MYBPC3 causing Cardiomyopathy phenotype (0.001), strongly suggesting that the variant is a benign polymorphism. The variant, c.3682C>T, has been reported in the literature in individuals affected with cardiomyopathy, including both dilated- and hypertrophic cardiomyopathy (see e.g. in HGMD), however, in at least one family, lack of co-segregation with the disease phenotype (DCM) was noted (Lakdawala_2012). At least one publication reported experimental evidence evaluating an impact on protein structure, and demonstrated that the variant didn't impact domain stability (Suay-Corredara_2021). Ten submitters have provided clinical-significance assessments for this variant in ClinVar after 2014, without evidence for independent evaluation, and classified the variant as VUS (n=5), likely benign (n=4) / benign (n=1). Based on the evidence outlined above, the variant was classified as benign.

GeneDx
Classification: Likely benign. Last evaluated: 2020-09-23. Review status: criteria provided, single submitter. Criteria: GeneDx Variant Classification Process June 2021. Collection method: clinical testing. Allele origin: germline. Affected: yes.
Comment: This variant is associated with the following publications: (PMID: 31006259, 29121657, 24503780, 28679633, 27896284, 25351510, 23861362, 22958901, 24447051, 22464770, 25637381, 20474083)

Ambry Genetics
Classification: Likely benign for Cardiovascular phenotype. Last evaluated: 2020-05-07. Review status: criteria provided, single submitter. Criteria: Ambry Variant Classification Scheme 2023. Collection method: clinical testing. Allele origin: germline.

Color Diagnostics, LLC DBA Color Health
Classification: Likely benign for Cardiomyopathy. Last evaluated: 2019-12-31. Review status: criteria provided, single submitter. Criteria: ACMG Guidelines, 2015. Collection method: clinical testing. Allele origin: germline.

Mendelics
Classification: Benign for Hypertrophic cardiomyopathy 4. Last evaluated: 2019-05-28. Review status: criteria provided, single submitter. Criteria: Mendelics Assertion Criteria 2017. Collection method: clinical testing. Allele origin: unknown.

Illumina Laboratory Services, Illumina
Classification: Uncertain significance for MYBPC3-Related Disorders. Last evaluated: 2019-01-21. Review status: criteria provided, single submitter. Criteria: ICSL Variant Classification Criteria 13 December 2019. Collection method: clinical testing. Allele origin: germline.
Comment: This variant was observed as part of a predisposition screen in an ostensibly healthy population. A literature search was performed for the gene, cDNA change, and amino acid change (where applicable). Publications were found based on this search. However, the evidence from the literature, in combination with allele frequency data from public databases where available, was not sufficient to rule this variant in or out of causing disease. Therefore, this variant is classified as a variant of unknown significance.

Athena Diagnostics
Classification: Uncertain significance. Last evaluated: 2018-03-23. Review status: criteria provided, single submitter. Criteria: Athena Diagnostics Criteria. Collection method: clinical testing. Allele origin: germline.

Laboratory for Molecular Medicine, Mass General Brigham Personalized Medicine
Classification: Uncertain significance. Last evaluated: 2016-05-18. Review status: criteria provided, single submitter. Criteria: LMM Criteria. Collection method: clinical testing. Allele origin: germline. Observed: 11 variant alleles.
Comment: The p.Arg1228Cys variant in MYBPC3 has been identified in 8/3600 individuals of unspecified clinical phenotype from the Framingham and Jackson Heart Studies (Bi ck 2012). It has also been identified in 0.1% (13/9766) of African chromosomes b y the Exome Aggregation Consortium (ExAC; dbSNP rs201312636). Additionally, this variant has been identified by our laboratory i n 7 individuals (4 with DCM; 1 with HCM; 1 with early onset severe left ventricu lar dysfunction/ biventricular dilation and 1 with an unspecified complex cardia c phenotype), though it did not segregate with disease in 1 of 3 affected indivi duals from 1 family. This amino acid is not well conserved in evolution which su ggests a change at this amino acid may be tolerated. Collectively, these data su pport that the p.Arg1228Cys variant is less likely disease-causing, though addit ional studies are needed to fully assess its clinical significance.

Clinical Genetics DNA and cytogenetics Diagnostics Lab, Erasmus MC, Erasmus Medical Center
Classification: Uncertain significance for Hypertrophic cardiomyopathy 4. Last evaluated: 2015-09-21. Review status: criteria provided, single submitter. Criteria: ACGS Guidelines, 2013. Collection method: clinical testing. Allele origin: germline. Affected: yes. Study: VKGL Data-share Consensus.

Stanford Center for Inherited Cardiovascular Disease, Stanford University
Classification: Uncertain significance. Last evaluated: 2015-04-08. Review status: criteria provided, single submitter. Criteria: ACMG Guidelines, 2015. Collection method: provider interpretation. Allele origin: germline.

Biesecker Lab/Clinical Genomics Section, National Institutes of Health
Classification: Likely benign. Last evaluated: 2013-06-24. Review status: criteria provided, single submitter. Criteria: Ng et al. (Circ Cardiovasc Genet. 2013). Collection method: research. Allele origin: unknown. Observed: 1 variant allele. Study: ClinSeq.
Comment: The study set was not selected for affection status in relation to any cancer. Pathogenicity categories were based on literature curation. See Pubmed ID:23861362 for details.

Medical sequencing

Center for Genomics, Ann and Robert H. Lurie Children's Hospital of Chicago
Classification: Uncertain significance for Hypertrophic cardiomyopathy 4; Left ventricular noncompaction 10. Review status: criteria provided, single submitter. Criteria: ACMG Guidelines, 2015. Collection method: clinical testing. Allele origin: germline.
Comment: MYBPC3 NM_000256.3 exon 33 p.Arg1228Cys (c.3682C>T): This variant has been reported in the literature in several individuals with cardiomyopathy (HCM, DCM, LVNC) (Zimmerman 2010 PMID:20474083, Lakdawala 2012 PMID:22464770, Pugh 2014 PMID:24503780, Paterick 2014 PMID:24447051, Lopes 2015 PMID:25351510). However, this variant failed to segregate with disease in at least one family (Lakdawala 2012 PMID:22464770). This variant is also present in 0.1% (33/24194) of African alleles in the Genome Aggregation Database and is present in ClinVar (Variation ID:161306). Evolutionary conservation and computational predictive tools suggest that this variant may impact the protein. In summary, data on this variant is insufficient for disease classification. Therefore, the clinical significance of this variant is uncertain.

CSER _CC_NCGL, University of Washington
Classification: Uncertain significance for Cardiomyopathy, dilated. Last evaluated: 2014-06-01. Review status: no assertion criteria provided. Collection method: research. Allele origin: germline. Inheritance: Autosomal dominant inheritance. Study: ESP 6500 variant annotation. Not counted in ClinVar's aggregate classification.
Comment: Variants classified for the Actionable exomic incidental findings in 6503 participants: challenges of variant classification manuscript

Clinical Genetics, Academic Medical Center
Classification: Uncertain significance. Review status: no assertion criteria provided. Collection method: clinical testing. Allele origin: germline. Affected: yes. Study: VKGL Data-share Consensus. Not counted in ClinVar's aggregate classification.

Literature cited by the submitters: PubMed 22464770 (cited by 4 submitters); PubMed 34097875 (cited by Women's Health and Genetics/Laboratory Corporation of America, LabCorp); PubMed 20474083 (cited by 3 submitters); PubMed 22958901 (cited by 4 submitters); PubMed 23861362 (cited by Ambry Genetics and Athena Diagnostics); PubMed 24447051 (cited by 3 submitters); PubMed 24503780 (cited by Ambry Genetics and Athena Diagnostics); PubMed 25351510 (cited by Ambry Genetics and Athena Diagnostics); PubMed 25637381 (cited by 3 submitters); PubMed 27896284 (cited by Ambry Genetics and Athena Diagnostics); PubMed 28679633 (cited by Ambry Genetics and Athena Diagnostics); PubMed 29121657 (cited by Ambry Genetics); PubMed 31006259 (cited by Ambry Genetics).

NM_000256.3(MYBPC3):c.3682C>T (p.Arg1228Cys)

Gene: MYBPC3 (myosin binding protein C3; minus strand). Cytogenetic location: 11p11.2.
Variant type: single nucleotide variant.
Coding change: c.3682C>T on transcript NM_000256.3 (MANE Select); coding-DNA position 3682, C replaced by T.
Protein change: p.Arg1228Cys; replaces arginine 1228 with cysteine.
Molecular consequence: missense variant.
Genome position (GRCh38, 1-based): chr11:47,332,204, G>A on the plus strand (C>T on the coding strand, the complement: MYBPC3 is on the minus strand). VCF-style: chr11-47332204-G-A. GRCh37 (hg19) VCF-style: chr11-47353755-G-A.
Other names: p.R1228C:CGC>TGC; short protein forms R1228C.
Identifiers: ClinVar variation 161306 (VCV000161306.37), dbSNP rs201312636, ClinGen allele CA014611.